The following is an entry in ClinVar:

NM_001123385.2(BCOR):c.4522G>A (p.Gly1508Ser)

Gene: BCOR (BCL6 corepressor; minus strand). Cytogenetic location: Xp11.4.
Variant type: single nucleotide variant.
Coding change: c.4522G>A on transcript NM_001123385.2 (MANE Select); coding-DNA position 4522, G replaced by A.
Protein change: p.Gly1508Ser; replaces glycine 1508 with serine.
Molecular consequence: missense variant.
Genome position (GRCh38, 1-based): chrX:40,057,228, C>T on the plus strand (G>A on the coding strand, the complement: BCOR is on the minus strand). VCF-style: chrX-40057228-C-T. GRCh37 (hg19) VCF-style: chrX-39916481-C-T.
Other names: c.4420G>A, p.Gly1474Ser (NM_017745.6, NM_001123383.2); c.4366G>A, p.Gly1456Ser (NM_001123384.2); short protein forms G1456S, G1474S, G1508S.
Identifiers: ClinVar variation 2663630 (VCV002663630.1), dbSNP rs372724488, ClinGen allele CA10386427.
Genomic context (GRCh38, chrX:40,057,228, plus strand): 5'-GGGCACTACAGTTGACATCAGCGCCATATTCAAGGAGGTGTCGCACAATGTTGAGCCAGC[C>T]CCTAGCACAAGCTTCATGCAGGGCGCAGTAACCTGCGTTGTCCCGATGATTTACATCACA-3'
Protein context (NP_001116857.1, residues 1498-1518): YCALHEACAR[Gly1508Ser]WLNIVRHLLE

ClinVar aggregate classification (germline): Uncertain significance (1 of 4 stars; one submission).

Allele frequency attached by ClinVar (database versions not stated): ExAC 0.00001; gnomAD 0.00001; ESP Exome Variant Server 0.00009.
gnomAD v4.1: 1 of 1,210,554 alleles (0.000083%); highest among the groups gnomAD compares: Non-Finnish European, 0.00011%; no homozygotes.

Submission:

GeneDx
Classification: Uncertain significance. Last evaluated: 2023-10-24. Review status: criteria provided, single submitter. Criteria: GeneDx Variant Classification Process June 2021. Collection method: clinical testing. Allele origin: germline. Affected: yes.
Comment: In silico analysis supports that this missense variant has a deleterious effect on protein structure/function; Has not been previously published as pathogenic or benign to our knowledge